The following is an entry in ClinVar:

ClinVar aggregate classification (germline): Uncertain significance (1 of 4 stars; one submission).

Submission:

Labcorp Genetics (formerly Invitae), Labcorp
Classification: Uncertain significance. Last evaluated: 2024-05-27. Review status: criteria provided, single submitter. Criteria: Invitae Variant Classification Sherloc (09022015). Collection method: clinical testing. Allele origin: germline.
Comment: This sequence change replaces proline, which is neutral and non-polar, with threonine, which is neutral and polar, at codon 284 of the SON protein (p.Pro284Thr). This variant is not present in population databases (gnomAD no frequency). This variant has not been reported in the literature in individuals affected with SON-related conditions. Algorithms developed to predict the effect of missense changes on protein structure and function output the following: SIFT: "Not Available"; PolyPhen-2: "Benign"; Align-GVGD: "Not Available". The threonine amino acid residue is found in multiple mammalian species, which suggests that this missense change does not adversely affect protein function. In summary, the available evidence is currently insufficient to determine the role of this variant in disease. Therefore, it has been classified as a Variant of Uncertain Significance.

NM_138927.4(SON):c.850C>A (p.Pro284Thr)

Gene: SON (SON DNA and RNA binding protein; plus strand). Cytogenetic location: 21q22.11.
Variant type: single nucleotide variant.
Coding change: c.850C>A on transcript NM_138927.4 (MANE Select); coding-DNA position 850, C replaced by A.
Protein change: p.Pro284Thr; replaces proline 284 with threonine.
Molecular consequence: missense variant. On other transcripts: non-coding transcript variant (1), intron variant (1).
Genome position (GRCh38, 1-based): chr21:33,550,081, C>A. VCF-style: chr21-33550081-C-A. GRCh37 (hg19) VCF-style: chr21-34922387-C-A.
Other names: c.850C>A, p.Pro284Thr (NM_001291411.2, NM_032195.3); c.244+3702C>A (NM_001291412.3); short protein forms P284T.
Identifiers: ClinVar variation 3654006 (VCV003654006.2).